The following is an entry in ClinVar:

ClinVar aggregate classification (germline): Uncertain significance (1 of 4 stars; one submission).

Allele frequency attached by ClinVar (database versions not stated): ExAC 0.00001.
gnomAD v4.1: 16 of 1,612,598 alleles (0.00099%); highest among the groups gnomAD compares: African/African-American, 0.0013%; no homozygotes.

Submission:

Women's Health and Genetics/Laboratory Corporation of America, LabCorp
Classification: Uncertain significance. Last evaluated: 2023-11-03. Review status: criteria provided, single submitter. Criteria: LabCorp Variant Classification Summary - May 2015. Collection method: clinical testing. Allele origin: germline.
Comment: Variant summary: TNXB c.12149G>A (p.Arg4050His) results in a non-conservative amino acid change located in the Fibrinogen, alpha/beta/gamma chain, c terminal globular domain (IPR002181) of the encoded protein sequence. Four of five in-silico tools predict a damaging effect of the variant on protein function. The variant allele was found at a frequency of 4e-06 in 249290 control chromosomes (gnomAD). The available data on variant occurrences in the general population are insufficient to allow any conclusion about variant significance. To our knowledge, no occurrence of c.12149G>A in individuals affected with Ehlers-Danlos-like syndrome and no experimental evidence demonstrating its impact on protein function have been reported. No submitters have cited clinical-significance assessments for this variant to ClinVar after 2014. Based on the evidence outlined above, the variant was classified as uncertain significance.

NM_001365276.2(TNXB):c.12155G>A (p.Arg4052His)

Genes: TNXB (tenascin XB; minus strand), LOC106780803 (tenascin XB recombination region; plus strand). Cytogenetic location: 6p21.33.
Variant type: single nucleotide variant.
Coding change: c.12155G>A on transcript NM_001365276.2 (MANE Select); coding-DNA position 12155, G replaced by A.
Protein change: p.Arg4052His; replaces arginine 4052 with histidine.
Molecular consequence: missense variant.
Genome position (GRCh38, 1-based): chr6:32,042,510, C>T on the plus strand (G>A on the coding strand, the complement: TNXB is on the minus strand). VCF-style: chr6-32042510-C-T. GRCh37 (hg19) VCF-style: chr6-32010287-C-T.
Other names: c.12149G>A, p.Arg4050His (NM_019105.8); c.1442G>A, p.Arg481His (NM_032470.4); short protein forms R4050H, R4052H, R481H.
Identifiers: ClinVar variation 2682313 (VCV002682313.1), dbSNP rs751192303, ClinGen allele CA3732868.
Genomic context (GRCh38, chr6:32,042,510, plus strand): 5'-CCCACCAGCCAGCCGCCCCCATCAGTCTCCATGTCGCAAAACACGTTCAGGGGCCGCTCG[C>T]GGTTGCCGTTGAGGAAGATGGTGCTGGTCCTGGAGGCACCGGCTCCGTTCTGCATCTCCT-3'
Protein context (NP_001352205.1, residues 4042-4062): RTSTIFLNGN[Arg4052His]ERPLNVFCDM